The following is an entry in ClinVar:

NM_005045.4(RELN):c.6425G>A (p.Cys2142Tyr)

Gene: RELN (reelin; minus strand). Cytogenetic location: 7q22.1.
Variant type: single nucleotide variant.
Coding change: c.6425G>A on transcript NM_005045.4 (MANE Select); coding-DNA position 6425, G replaced by A.
Protein change: p.Cys2142Tyr; replaces cysteine 2142 with tyrosine.
Molecular consequence: missense variant.
Genome position (GRCh38, 1-based): chr7:103,545,222, C>T on the plus strand (G>A on the coding strand, the complement: RELN is on the minus strand). VCF-style: chr7-103545222-C-T. GRCh37 (hg19) VCF-style: chr7-103185669-C-T.
Other names: c.6425G>A, p.Cys2142Tyr (NM_173054.3); short protein forms C2142Y.
Identifiers: ClinVar variation 2939921 (VCV002939921.3), dbSNP rs2484798196, ClinGen allele CA368771040.

ClinVar aggregate classification (germline): Uncertain significance (1 of 4 stars; one submission).

Conditions:
Norman-Roberts syndrome (LIS2). Also called: Lissencephaly 2 (Norman-Roberts type). Identifiers: Orphanet 89844, MedGen C0796089, MONDO:0009760, OMIM 257320.
Familial temporal lobe epilepsy 7. Identifiers: Orphanet 101046, MedGen C4225327, MONDO:0014639, OMIM 616436.

Submission:

Labcorp Genetics (formerly Invitae), Labcorp
Classification: Uncertain significance for Familial temporal lobe epilepsy 7; Norman-Roberts syndrome. Last evaluated: 2023-04-29. Review status: criteria provided, single submitter. Criteria: Invitae Variant Classification Sherloc (09022015). Collection method: clinical testing. Allele origin: germline.
Comment: This sequence change replaces cysteine, which is neutral and slightly polar, with tyrosine, which is neutral and polar, at codon 2142 of the RELN protein (p.Cys2142Tyr). This variant is not present in population databases (gnomAD no frequency). This variant has not been reported in the literature in individuals affected with RELN-related conditions. Advanced modeling of protein sequence and biophysical properties (such as structural, functional, and spatial information, amino acid conservation, physicochemical variation, residue mobility, and thermodynamic stability) has been performed at Invitae for this missense variant, however the output from this modeling did not meet the statistical confidence thresholds required to predict the impact of this variant on RELN protein function. In summary, the available evidence is currently insufficient to determine the role of this variant in disease. Therefore, it has been classified as a Variant of Uncertain Significance.